The following is an entry in ClinVar:

ClinVar aggregate classification (germline): Uncertain significance (1 of 4 stars; one submission).

Conditions:
Ehlers-Danlos syndrome, classic type, 1 (EDSCL1). Also called: EHLERS-DANLOS SYNDROME, GRAVIS TYPE; EHLERS-DANLOS SYNDROME, SEVERE CLASSIC TYPE; Ehlers-Danlos syndrome, type 1; Ehlers-Danlos Syndrome, Classic Type, COL5A1-Related; EDS I. Identifiers: MedGen C0268335, MONDO:0019567, OMIM 130000.
Osteogenesis imperfecta type I (OI1). Also called: OI, TYPE I; OSTEOGENESIS IMPERFECTA TARDA; OSTEOGENESIS IMPERFECTA WITH BLUE SCLERAE; Osteogenesis imperfecta type 1; Lobstein's Disease; Lobstein disease. Identifiers: Orphanet 216796, Orphanet 666, MedGen C0023931, MONDO:0008146, OMIM 166200. Disease mechanism: loss of function.

Submission:

Labcorp Genetics (formerly Invitae), Labcorp
Classification: Uncertain significance for Osteogenesis imperfecta type I; Ehlers-Danlos syndrome, classic type, 1. Last evaluated: 2025-03-24. Review status: criteria provided, single submitter. Criteria: Invitae Variant Classification Sherloc (09022015). Collection method: clinical testing. Allele origin: germline.
Comment: This sequence change replaces aspartic acid, which is acidic and polar, with asparagine, which is neutral and polar, at codon 509 of the COL1A2 protein (p.Asp509Asn). This variant is not present in population databases (gnomAD no frequency). This variant has not been reported in the literature in individuals affected with COL1A2-related conditions. Invitae Evidence Modeling of protein sequence and biophysical properties (such as structural, functional, and spatial information, amino acid conservation, physicochemical variation, residue mobility, and thermodynamic stability) indicates that this missense variant is not expected to disrupt COL1A2 protein function with a negative predictive value of 95%. In summary, the available evidence is currently insufficient to determine the role of this variant in disease. Therefore, it has been classified as a Variant of Uncertain Significance.

NM_000089.4(COL1A2):c.1525G>A (p.Asp509Asn)

Gene: COL1A2 (collagen type I alpha 2 chain; plus strand). Cytogenetic location: 7q21.3.
Variant type: single nucleotide variant.
Coding change: c.1525G>A on transcript NM_000089.4 (MANE Select); coding-DNA position 1525, G replaced by A.
Protein change: p.Asp509Asn; replaces aspartic acid 509 with asparagine.
Molecular consequence: missense variant.
Genome position (GRCh38, 1-based): chr7:94,413,104, G>A. VCF-style: chr7-94413104-G-A. GRCh37 (hg19) VCF-style: chr7-94042416-G-A.
Other names: short protein forms D509N.
Identifiers: ClinVar variation 3751260 (VCV003751260.2).